The following is an entry in ClinVar:

NM_025137.4(SPG11):c.13G>A (p.Glu5Lys)

Gene: SPG11 (SPG11 vesicle trafficking associated, spatacsin; minus strand). Cytogenetic location: 15q21.1.
Variant type: single nucleotide variant.
Coding change: c.13G>A on transcript NM_025137.4 (MANE Select); coding-DNA position 13, G replaced by A.
Protein change: p.Glu5Lys; replaces glutamic acid 5 with lysine.
Molecular consequence: missense variant.
Genome position (GRCh38, 1-based): chr15:44,663,635, C>T on the plus strand (G>A on the coding strand, the complement: SPG11 is on the minus strand). VCF-style: chr15-44663635-C-T. GRCh37 (hg19) VCF-style: chr15-44955833-C-T.
Other names: c.13G>A, p.Glu5Lys (NM_001160227.2); short protein forms E5K.
Identifiers: ClinVar variation 650789 (VCV000650789.7), dbSNP rs1247084532, ClinGen allele CA392238938.
Genomic context (GRCh38, chr15:44,663,635, plus strand): 5'-CCCGCCCCATGGCCGCGGTGCCCCAGCTACCGCCGGCGGAAGCAGCACTCGCGACCCCTT[C>T]CTCTGCAGCCATCTTGGCCCGGCGGTTACTTCCGGTCACTTTCGCCGGAACCTGACTGCG-3'
Protein context (NP_079413.3, residues 1-15): MAAE[Glu5Lys]GVASAASAGG

ClinVar aggregate classification (germline): Uncertain significance. Review status: criteria provided, multiple submitters, no conflicts (2 of 4 stars). 2 submissions from 2 submitters: Uncertain significance (2). Last evaluated 2022-05-29.

Conditions:
Inborn genetic diseases. Identifiers: MedGen C0950123, MeSH D030342.
Hereditary spastic paraplegia 11. Also called: Spastic Paraplegia 11; SPASTIC PARAPLEGIA, AUTOSOMAL RECESSIVE, COMPLICATED, WITH THIN CORPUS CALLOSUM; SPASTIC PARAPLEGIA, AUTOSOMAL RECESSIVE, WITH MENTAL IMPAIRMENT AND THIN CORPUS CALLOSUM; Spastic paraplegia, mental retardation and thin corpus callosum; Nakamura Osame syndrome; Autosomal recessive hereditary spastic paraplegia, mental impairment, and thin corpus callosum. Identifiers: Orphanet 2822, MedGen C1858479, MONDO:0011445, OMIM 604360.

Allele frequency attached by ClinVar (database versions not stated): TOPMed below 0.00001.
gnomAD v4.1: 17 of 1,595,090 alleles (0.0011%); highest among the groups gnomAD compares: East Asian, 0.009%; no homozygotes.

Submissions (2):

Labcorp Genetics (formerly Invitae), Labcorp
Classification: Uncertain significance for Hereditary spastic paraplegia 11. Last evaluated: 2022-05-29. Review status: criteria provided, single submitter. Criteria: Invitae Variant Classification Sherloc (09022015). Collection method: clinical testing. Allele origin: germline.
Comment: This sequence change replaces glutamic acid, which is acidic and polar, with lysine, which is basic and polar, at codon 5 of the SPG11 protein (p.Glu5Lys). This variant is present in population databases (no rsID available, gnomAD 0.02%). This missense change has been observed in individual(s) with amyotrophic lateral sclerosis (PMID: 32729724). ClinVar contains an entry for this variant (Variation ID: 650789). Algorithms developed to predict the effect of missense changes on protein structure and function output the following: SIFT: "Tolerated"; PolyPhen-2: "Not Available"; Align-GVGD: "Class C0". The lysine amino acid residue is found in multiple mammalian species, which suggests that this missense change does not adversely affect protein function. In summary, the available evidence is currently insufficient to determine the role of this variant in disease. Therefore, it has been classified as a Variant of Uncertain Significance.

Ambry Genetics
Classification: Uncertain significance for Inborn genetic diseases. Last evaluated: 2019-09-16. Review status: criteria provided, single submitter. Criteria: Ambry Variant Classification Scheme 2023. Collection method: clinical testing. Allele origin: germline.
Comment: The p.E5K variant (also known as c.13G>A), located in coding exon 1 of the SPG11 gene, results from a G to A substitution at nucleotide position 13. The glutamic acid at codon 5 is replaced by lysine, an amino acid with similar properties. This amino acid position is poorly conserved in available vertebrate species. In addition, this alteration is predicted to be tolerated by in silico analysis. Since supporting evidence is limited at this time, the clinical significance of this alteration remains unclear.

Literature cited by the submitters: PubMed 32729724 (cited by Labcorp Genetics (formerly Invitae), Labcorp).